The following is an entry in ClinVar:

ClinVar aggregate classification (germline): Uncertain significance. Review status: criteria provided, multiple submitters, no conflicts (2 of 4 stars). 3 submissions from 3 submitters: Uncertain significance (3). Last evaluated 2025-05-17.

Conditions:
Inborn genetic diseases. Identifiers: MedGen C0950123, MeSH D030342.

Allele frequency attached by ClinVar (database versions not stated): gnomAD 0.00002; TOPMed 0.00003; ExAC 0.00006.
gnomAD v4.1: 30 of 1,613,198 alleles (0.0019%); highest among the groups gnomAD compares: African/African-American, 0.0067%; no homozygotes.

Submissions (3):

GeneDx
Classification: Uncertain significance. Last evaluated: 2025-05-17. Review status: criteria provided, single submitter. Criteria: GeneDx Variant Classification Process June 2021. Collection method: clinical testing. Allele origin: germline. Affected: yes.
Comment: Not observed at significant frequency in large population cohorts (gnomAD); In silico analysis supports that this missense variant has a deleterious effect on protein structure/function; Has not been previously published as pathogenic or benign to our knowledge

Ambry Genetics
Classification: Uncertain significance for Inborn genetic diseases. Last evaluated: 2023-06-22. Review status: criteria provided, single submitter. Criteria: Ambry Variant Classification Scheme 2023. Collection method: clinical testing. Allele origin: germline.

Labcorp Genetics (formerly Invitae), Labcorp
Classification: Uncertain significance. Last evaluated: 2022-04-01. Review status: criteria provided, single submitter. Criteria: Invitae Variant Classification Sherloc (09022015). Collection method: clinical testing. Allele origin: germline.
Comment: This sequence change replaces threonine, which is neutral and polar, with methionine, which is neutral and non-polar, at codon 2540 of the VPS13A protein (p.Thr2540Met). This variant is present in population databases (rs772782098, gnomAD 0.02%). This variant has not been reported in the literature in individuals affected with VPS13A-related conditions. Algorithms developed to predict the effect of missense changes on protein structure and function are either unavailable or do not agree on the potential impact of this missense change (SIFT: "Deleterious"; PolyPhen-2: "Possibly Damaging"; Align-GVGD: "Class C0"). In summary, the available evidence is currently insufficient to determine the role of this variant in disease. Therefore, it has been classified as a Variant of Uncertain Significance.

NM_033305.3(VPS13A):c.7619C>T (p.Thr2540Met)

Gene: VPS13A (vacuolar protein sorting 13 homolog A; plus strand). Cytogenetic location: 9q21.2.
Variant type: single nucleotide variant.
Coding change: c.7619C>T on transcript NM_033305.3 (MANE Select); coding-DNA position 7619, C replaced by T.
Protein change: p.Thr2540Met; replaces threonine 2540 with methionine.
Molecular consequence: missense variant.
Genome position (GRCh38, 1-based): chr9:77,353,608, C>T. VCF-style: chr9-77353608-C-T. GRCh37 (hg19) VCF-style: chr9-79968524-C-T.
Other names: c.7502C>T, p.Thr2501Met (NM_001018037.2); c.7619C>T, p.Thr2540Met (NM_001018038.3, NM_015186.4); short protein forms T2501M, T2540M.
Identifiers: ClinVar variation 1723859 (VCV001723859.6), dbSNP rs772782098, ClinGen allele CA5093385.